The following is an entry in ClinVar:

NM_000465.4(BARD1):c.483_490del (p.Ser162fs)

Gene: BARD1 (BRCA1 associated RING domain 1; minus strand). Cytogenetic location: 2q35.
Variant type: Deletion.
Coding change: c.483_490del on transcript NM_000465.4 (MANE Select); coding-DNA positions 483 to 490, 8 bases deleted (TTCAGTGC; older notation c.483_490delTTCAGTGC).
Protein change: p.Ser162fs; shifts the reading frame from serine 162.
Molecular consequence: frameshift variant. On other transcripts: non-coding transcript variant (2), intron variant (3).
Genome position (GRCh38, 1-based): chr2:214,781,384-214,781,391, GCACTGAA deleted on the plus strand (TTCAGTGC on the coding strand, the reverse complement: BARD1 is on the minus strand); deleting any 8 consecutive bases within chr2:214,781,384-214,781,393 gives the same sequence; the c. name uses the placement nearest the transcript's 3' end. VCF-style (leftmost placement, unchanged base first): chr2-214781383-TGCACTGAA-T. GRCh37 (hg19) VCF-style: chr2-215646107-TGCACTGAA-T.
Other names: c.483_490delTTCAGTGC (NM_000465.2); c.426_433del, p.Ser143fs (NM_001282543.2); c.158+28021_158+28028del (NM_001282548.2); c.215+15670_215+15677del (NM_001282545.2); c.364+10906_364+10913del (NM_001282549.2); short protein forms S143fs, S162fs.
Identifiers: ClinVar variation 2584205 (VCV002584205.3), dbSNP rs2469512685, ClinGen allele CA2582342109.

ClinVar aggregate classification (germline): Pathogenic. Review status: criteria provided, multiple submitters, no conflicts (2 of 4 stars). 2 submissions from 2 submitters: Pathogenic (2). Last evaluated 2025-08-27.

Conditions:
Hereditary cancer-predisposing syndrome. Also called: Hereditary neoplastic syndrome; Tumor predisposition; Hereditary Cancer Syndrome; Neoplastic Syndromes, Hereditary. Identifiers: Orphanet 140162, MedGen C0027672, MeSH D009386, MONDO:0015356.
Familial cancer of breast. Also called: BREAST CANCER, FAMILIAL; hereditary breast carcinoma; Hereditary breast cancer. Identifiers: Orphanet 227535, MedGen C0346153, MONDO:0016419, OMIM 114480. Disease mechanism: loss of function.

Submissions (2):

Ambry Genetics
Classification: Pathogenic for Hereditary cancer-predisposing syndrome. Last evaluated: 2025-08-27. Review status: criteria provided, single submitter. Criteria: Ambry Variant Classification Scheme 2023. Collection method: clinical testing. Allele origin: germline.
Comment: The c.483_490delTTCAGTGC pathogenic mutation, located in coding exon 4 of the BARD1 gene, results from a deletion of 8 nucleotides at nucleotide positions 483 to 490, causing a translational frameshift with a predicted alternate stop codon (p.S162Nfs*17). This variant is considered to be rare based on population cohorts in the Genome Aggregation Database (gnomAD). This alteration is expected to result in loss of function by premature protein truncation or nonsense-mediated mRNA decay. As such, this alteration is interpreted as a disease-causing mutation.

Myriad Genetics, Inc.
Classification: Pathogenic for Familial cancer of breast. Last evaluated: 2023-05-18. Review status: criteria provided, single submitter. Criteria: Myriad Autosomal Dominant, Autosomal Recessive and X-Linked Classification Criteria (2023). Collection method: clinical testing. Allele origin: unknown.
Comment: This variant is considered pathogenic. This variant creates a frameshift predicted to result in premature protein truncation.